The following is an entry in ClinVar:

NM_000245.4(MET):c.761A>C (p.Glu254Ala)

Gene: MET (MET proto-oncogene, receptor tyrosine kinase; plus strand). Cytogenetic location: 7q31.2.
Variant type: single nucleotide variant.
Coding change: c.761A>C on transcript NM_000245.4 (MANE Select); coding-DNA position 761, A replaced by C.
Protein change: p.Glu254Ala; replaces glutamic acid 254 with alanine.
Molecular consequence: missense variant. On other transcripts: intron variant (1).
Genome position (GRCh38, 1-based): chr7:116,699,845, A>C. VCF-style: chr7-116699845-A-C. GRCh37 (hg19) VCF-style: chr7-116339899-A-C.
Other names: c.761A>C, p.Glu254Ala (NM_001127500.3, NM_001324401.3); c.-91+27268A>C (NM_001324402.2); short protein forms E254A.
Identifiers: ClinVar variation 4799488 (VCV004799488.1).

ClinVar aggregate classification (germline): Uncertain significance (1 of 4 stars; one submission).

Conditions:
Renal cell carcinoma. Identifiers: Orphanet 217071, MedGen C0007134, MeSH D002292, MONDO:0005086, HP:0005584.

gnomAD v4.1: 2 of 1,614,122 alleles (0.00012%); highest among the groups gnomAD compares: South Asian, 0.0022%; no homozygotes.

Submission:

Labcorp Genetics (formerly Invitae), Labcorp
Classification: Uncertain significance for Renal cell carcinoma. Last evaluated: 2026-01-14. Review status: criteria provided, single submitter. Criteria: Invitae Variant Classification Sherloc (09022015). Collection method: clinical testing. Allele origin: germline.
Comment: This sequence change replaces glutamic acid, which is acidic and polar, with alanine, which is neutral and non-polar, at codon 254 of the MET protein (p.Glu254Ala). This variant is not present in population databases (gnomAD no frequency). This variant has not been reported in the literature in individuals affected with MET-related conditions. Invitae Evidence Modeling of protein sequence and biophysical properties (such as structural, functional, and spatial information, amino acid conservation, physicochemical variation, residue mobility, and thermodynamic stability) indicates that this missense variant is not expected to disrupt MET protein function with a negative predictive value of 80%. In summary, the available evidence is currently insufficient to determine the role of this variant in disease. Therefore, it has been classified as a Variant of Uncertain Significance.